The following is an entry in ClinVar:

ClinVar aggregate classification (germline): Uncertain significance (1 of 4 stars; one submission).

Conditions:
TNF receptor-associated periodic fever syndrome (TRAPS) (FPF). Also called: TNF receptor 1-associated periodic fever syndrome; TNF Receptor-Associated Periodic Fever Syndrome; FAMILIAL HIBERNIAN FEVER; TNF RECEPTOR-ASSOCIATED PERIODIC SYNDROME; TUMOR NECROSIS FACTOR RECEPTOR-ASSOCIATED PERIODIC SYNDROME; Autosomal Dominant Familial Periodic Fever. Identifiers: Orphanet 32960, MedGen C1275126, MONDO:0007727, OMIM 142680.

Allele frequency attached by ClinVar (database versions not stated): gnomAD exomes below 0.00001.
gnomAD v4.1: 3 of 1,605,220 alleles (0.00019%); highest among the groups gnomAD compares: Non-Finnish European, 0.00026%; no homozygotes.

Submission:

Labcorp Genetics (formerly Invitae), Labcorp
Classification: Uncertain significance for TNF receptor-associated periodic fever syndrome (TRAPS). Last evaluated: 2023-09-20. Review status: criteria provided, single submitter. Criteria: Invitae Variant Classification Sherloc (09022015). Collection method: clinical testing. Allele origin: germline.
Comment: Variants that disrupt the consensus splice site are a relatively common cause of aberrant splicing (PMID: 17576681, 9536098). Algorithms developed to predict the effect of sequence changes on RNA splicing suggest that this variant is not likely to affect RNA splicing. In summary, the available evidence is currently insufficient to determine the role of this variant in disease. Therefore, it has been classified as a Variant of Uncertain Significance. This variant has not been reported in the literature in individuals affected with TNFRSF1A-related conditions. This variant is present in population databases (no rsID available, gnomAD 0.0009%). This sequence change falls in intron 7 of the TNFRSF1A gene. It does not directly change the encoded amino acid sequence of the TNFRSF1A protein. It affects a nucleotide within the consensus splice site.

Literature cited by the submitters: PubMed 17576681; PubMed 9536098.

NM_001065.4(TNFRSF1A):c.739+5G>C

Gene: TNFRSF1A (TNF receptor superfamily member 1A; minus strand). Cytogenetic location: 12p13.31.
Variant type: single nucleotide variant.
Coding change: c.739+5G>C on transcript NM_001065.4 (MANE Select); 5 bases into the intron after coding-DNA position 739, G replaced by C.
Molecular consequence: intron variant.
Genome position (GRCh38, 1-based): chr12:6,330,593, C>G on the plus strand (G>C on the coding strand, the complement: TNFRSF1A is on the minus strand). VCF-style: chr12-6330593-C-G. GRCh37 (hg19) VCF-style: chr12-6439759-C-G.
Other names: c.415+5G>C (NM_001346091.2); c.280+5G>C (NM_001346092.2).
Identifiers: ClinVar variation 2751684 (VCV002751684.3), dbSNP rs1230664474, ClinGen allele CA383546938.